The following is an entry in ClinVar:

ClinVar aggregate classification (germline): Uncertain significance (1 of 4 stars; one submission).

Conditions:
Hereditary cancer-predisposing syndrome. Also called: Neoplastic Syndromes, Hereditary; Tumor predisposition; Hereditary neoplastic syndrome; Hereditary Cancer Syndrome. Identifiers: Orphanet 140162, MedGen C0027672, MeSH D009386, MONDO:0015356.

Submission:

Ambry Genetics
Classification: Uncertain significance for Hereditary cancer-predisposing syndrome. Last evaluated: 2025-04-24. Review status: criteria provided, single submitter. Criteria: Ambry Variant Classification Scheme 2023. Collection method: clinical testing. Allele origin: germline.
Comment: The p.S1018P variant (also known as c.3052T>C), located in coding exon 13 of the MET gene, results from a T to C substitution at nucleotide position 3052. The serine at codon 1018 is replaced by proline, an amino acid with similar properties. This amino acid position is highly conserved in available vertebrate species. In addition, this alteration is predicted to be deleterious by in silico analysis. Based on the available evidence, the clinical significance of this variant remains unclear.

NM_000245.4(MET):c.2998T>C (p.Ser1000Pro)

Gene: MET (MET proto-oncogene, receptor tyrosine kinase; plus strand). Cytogenetic location: 7q31.2.
Variant type: single nucleotide variant.
Coding change: c.2998T>C on transcript NM_000245.4 (MANE Select); coding-DNA position 2998, T replaced by C.
Protein change: p.Ser1000Pro; replaces serine 1000 with proline.
Molecular consequence: missense variant.
Genome position (GRCh38, 1-based): chr7:116,771,959, T>C. VCF-style: chr7-116771959-T-C. GRCh37 (hg19) VCF-style: chr7-116412013-T-C.
Other names: c.3052T>C, p.Ser1018Pro (NM_001127500.3); c.1708T>C, p.Ser570Pro (NM_001324402.2); short protein forms S1000P, S1018P, S570P.
Identifiers: ClinVar variation 4053943 (VCV004053943.1).